The following is an entry in ClinVar:

NM_001122630.2(CDKN1C):c.131C>A (p.Ala44Asp)

Gene: CDKN1C (cyclin dependent kinase inhibitor 1C; minus strand). Cytogenetic location: 11p15.4.
Variant type: single nucleotide variant.
Coding change: c.131C>A on transcript NM_001122630.2 (MANE Select); coding-DNA position 131, C replaced by A.
Protein change: p.Ala44Asp; replaces alanine 44 with aspartic acid.
Molecular consequence: missense variant.
Genome position (GRCh38, 1-based): chr11:2,885,326, G>T on the plus strand (C>A on the coding strand, the complement: CDKN1C is on the minus strand). VCF-style: chr11-2885326-G-T. GRCh37 (hg19) VCF-style: chr11-2906556-G-T.
Other names: c.164C>A, p.Ala55Asp (NM_001362474.2, NM_000076.2); c.131C>A, p.Ala44Asp (NM_001362475.2, NM_001122631.2); short protein forms A55D, A44D.
Identifiers: ClinVar variation 1415860 (VCV001415860.8), dbSNP rs1848975072, ClinGen allele CA379147551.
Genomic context (GRCh38, chr11:2,885,326, plus strand): 5'-CCAGGGCCCCGCAGCGGCATGTCCTGCTGGAAGTCGTAATCCCAGCGGTTCTGGTCCTCG[G>T]CGTTCAGCTCGGCCAGGCGGGCCTGCAGCTCGCGGCTCAGCTCCTCGTGGTCCACCGGCC-3'
Protein context (NP_001116102.1, residues 34-54): ELQARLAELN[Ala44Asp]EDQNRWDYDF

ClinVar aggregate classification (germline): Uncertain significance (1 of 4 stars; one submission).

Conditions:
Beckwith-Wiedemann syndrome (BWS). Also called: Exomphalos macroglossia gigantism syndrome; EMG SYNDROME. Identifiers: Orphanet 116, MedGen C0004903, MONDO:0007534, OMIM 130650.

Submission:

Labcorp Genetics (formerly Invitae), Labcorp
Classification: Uncertain significance for Beckwith-Wiedemann syndrome. Last evaluated: 2023-08-17. Review status: criteria provided, single submitter. Criteria: Invitae Variant Classification Sherloc (09022015). Collection method: clinical testing. Allele origin: germline.
Comment: In summary, the available evidence is currently insufficient to determine the role of this variant in disease. Therefore, it has been classified as a Variant of Uncertain Significance. Advanced modeling of protein sequence and biophysical properties (such as structural, functional, and spatial information, amino acid conservation, physicochemical variation, residue mobility, and thermodynamic stability) performed at Invitae indicates that this missense variant is not expected to disrupt CDKN1C protein function. ClinVar contains an entry for this variant (Variation ID: 1415860). This variant has not been reported in the literature in individuals affected with CDKN1C-related conditions. This variant is not present in population databases (gnomAD no frequency). This sequence change replaces alanine, which is neutral and non-polar, with aspartic acid, which is acidic and polar, at codon 55 of the CDKN1C protein (p.Ala55Asp).